The following is an entry in ClinVar:

NM_000070.3(CAPN3):c.614T>C (p.Leu205Pro)

Gene: CAPN3 (calpain 3; plus strand). Cytogenetic location: 15q15.1.
Variant type: single nucleotide variant.
Coding change: c.614T>C on transcript NM_000070.3 (MANE Select); coding-DNA position 614, T replaced by C.
Protein change: p.Leu205Pro; replaces leucine 205 with proline.
Molecular consequence: missense variant.
Genome position (GRCh38, 1-based): chr15:42,387,868, T>C. VCF-style: chr15-42387868-T-C. GRCh37 (hg19) VCF-style: chr15-42680066-T-C.
Other names: c.614T>C, p.Leu205Pro (NM_024344.2, NM_173087.2); short protein forms L205P.
Identifiers: ClinVar variation 595147 (VCV000595147.11), dbSNP rs1001356986, ClinGen allele CA269834439.
Genomic context (GRCh38, chr15:42,387,868, plus strand): 5'-ACAACAATCAACTGGTTTTCACCAAGTCCAACCACCGCAATGAGTTCTGGAGTGCTCTGC[T>C]GGAGAAGGCTTATGCTAAGTAAGCAACACTTTAGAATGTGAGGTGGGGCTAGAGGTGAGA-3'
Protein context (NP_000061.1, residues 195-215): NHRNEFWSAL[Leu205Pro]EKAYAKLHGS

ClinVar aggregate classification (germline): Uncertain significance. Review status: criteria provided, multiple submitters, no conflicts (2 of 4 stars). 3 submissions from 3 submitters: Uncertain significance (3). Last evaluated 2025-10-12.

Conditions:
Autosomal recessive limb-girdle muscular dystrophy type 2A (LGMDR1). Also called: Limb-girdle muscular dystrophy, type 2A; Muscular dystrophy, limb-girdle, type 2A, Amish; LEYDEN-MOEBIUS MUSCULAR DYSTROPHY; MUSCULAR DYSTROPHY, PELVOFEMORAL; Calpainopathy. Identifiers: Orphanet 267, MedGen C1869123, MONDO:0009675, OMIM 253600. Disease mechanism: loss of function.

Allele frequency attached by ClinVar (database versions not stated): gnomAD exomes below 0.00001 and 0.00001; gnomAD 0.00001; TOPMed 0.00002.
gnomAD v4.1: 3 of 1,614,046 alleles (0.00019%); highest among the groups gnomAD compares: African/African-American, 0.004%; no homozygotes.

Submissions (3):

Labcorp Genetics (formerly Invitae), Labcorp
Classification: Uncertain significance for Autosomal recessive limb-girdle muscular dystrophy type 2A. Last evaluated: 2025-10-12. Review status: criteria provided, single submitter. Criteria: Invitae Variant Classification Sherloc (09022015). Collection method: clinical testing. Allele origin: germline.
Comment: This sequence change replaces leucine, which is neutral and non-polar, with proline, which is neutral and non-polar, at codon 205 of the CAPN3 protein (p.Leu205Pro). This variant is present in population databases (no rsID available, gnomAD 0.01%). This missense change has been observed in individual(s) with clinical features of limb-girdle muscular dystrophy (PMID: 25135358). ClinVar contains an entry for this variant (Variation ID: 595147). Invitae Evidence Modeling of protein sequence and biophysical properties (such as structural, functional, and spatial information, amino acid conservation, physicochemical variation, residue mobility, and thermodynamic stability) indicates that this missense variant is expected to disrupt CAPN3 protein function with a positive predictive value of 80%. In summary, the available evidence is currently insufficient to determine the role of this variant in disease. Therefore, it has been classified as a Variant of Uncertain Significance.

Greenwood Genetic Center Diagnostic Laboratories, Greenwood Genetic Center
Classification: Uncertain significance. Last evaluated: 2023-08-01. Review status: criteria provided, single submitter. Criteria: ACMG Guidelines, 2015. Collection method: clinical testing. Allele origin: germline. Affected: yes.
Comment: PP3

Eurofins Ntd Llc (ga)
Classification: Uncertain significance. Last evaluated: 2017-12-11. Review status: criteria provided, single submitter. Criteria: EGL Classification Definitions 2015. Collection method: clinical testing. Allele origin: germline. Observed: 1 variant allele, 1 heterozygote.

Literature cited by the submitters: PubMed 25135358 (cited by Labcorp Genetics (formerly Invitae), Labcorp).